The following is an entry in ClinVar:

NM_012414.4(RAB3GAP2):c.1379G>C (p.Arg460Pro)

Gene: RAB3GAP2 (RAB3 GTPase activating non-catalytic protein subunit 2; minus strand). Cytogenetic location: 1q41.
Variant type: single nucleotide variant.
Coding change: c.1379G>C on transcript NM_012414.4 (MANE Select); coding-DNA position 1379, G replaced by C.
Protein change: p.Arg460Pro; replaces arginine 460 with proline.
Molecular consequence: missense variant.
Genome position (GRCh38, 1-based): chr1:220,191,176, C>G on the plus strand (G>C on the coding strand, the complement: RAB3GAP2 is on the minus strand). VCF-style: chr1-220191176-C-G. GRCh37 (hg19) VCF-style: chr1-220364518-C-G.
Other names: short protein forms R460P.
Identifiers: ClinVar variation 933399 (VCV000933399.9), dbSNP rs757551395, ClinGen allele CA344645539.

ClinVar aggregate classification (germline): Uncertain significance (1 of 4 stars; one submission).

Conditions:
Martsolf syndrome (MARTS). Also called: Congenital cataract with intellectual disability and hypogonadotropic hypogonadism syndrome. Identifiers: Orphanet 1387, MedGen C0796037, MONDO:0023910.
Warburg micro syndrome 2 (WARBM2). Also called: MICRO SYNDROME 2. Identifiers: Orphanet 2510, MedGen C3280214, MONDO:0013641, OMIM 614225.

gnomAD v4.1: 5 of 1,613,976 alleles (0.00031%); highest among the groups gnomAD compares: Non-Finnish European, 0.00042%; no homozygotes.

Submission:

Labcorp Genetics (formerly Invitae), Labcorp
Classification: Uncertain significance for Martsolf syndrome; Warburg micro syndrome 2. Last evaluated: 2019-05-19. Review status: criteria provided, single submitter. Criteria: Invitae Variant Classification Sherloc (09022015). Collection method: clinical testing. Allele origin: germline.
Comment: This sequence change replaces arginine with proline at codon 460 of the RAB3GAP2 protein (p.Arg460Pro). The arginine residue is highly conserved and there is a moderate physicochemical difference between arginine and proline. In summary, the available evidence is currently insufficient to determine the role of this variant in disease. Therefore, it has been classified as a Variant of Uncertain Significance. Algorithms developed to predict the effect of missense changes on protein structure and function are either unavailable or do not agree on the potential impact of this missense change (SIFT: "Deleterious"; PolyPhen-2: "Possibly Damaging"; Align-GVGD: "Class C0"). This variant has not been reported in the literature in individuals with RAB3GAP2-related conditions. This variant is not present in population databases (ExAC no frequency).